The following is an entry in ClinVar:

ClinVar aggregate classification (germline): Benign. Review status: criteria provided, multiple submitters, no conflicts (2 of 4 stars). 2 submissions from 2 submitters: Benign (2). Last evaluated 2018-01-12.

Conditions:
Neuroblastoma (NB). Identifiers: Orphanet 635, MedGen C0027819, MeSH D009447, MONDO:0005072, HP:0003006.

Allele frequency attached by ClinVar (database versions not stated): TOPMed 0.00033; gnomAD 0.00054; 1000 Genomes Project 30x 0.00281; 1000 Genomes Project 0.00339.
gnomAD v4.1: 801 of 631,924 alleles (0.13%); highest among the groups gnomAD compares: South Asian, 0.99%; 10 homozygotes.

Submissions (2):

Illumina Laboratory Services, Illumina
Classification: Benign for Neuroblastoma. Last evaluated: 2018-01-12. Review status: criteria provided, single submitter. Criteria: ICSL Variant Classification Criteria 13 December 2019. Collection method: clinical testing. Allele origin: germline.
Comment: This variant was observed in the ICSL laboratory as part of a predisposition screen in an ostensibly healthy population. It had not been previously curated by ICSL or reported in the Human Gene Mutation Database (HGMD: prior to June 1st, 2018), and was therefore a candidate for classification through an automated scoring system. Utilizing variant allele frequency, disease prevalence and penetrance estimates, and inheritance mode, an automated score was calculated to assess if this variant is too frequent to cause the disease. Based on the score and internal cut-off values, a variant classified as benign is not then subjected to further curation. The score for this variant resulted in a classification of benign for this disease.

Breakthrough Genomics
Classification: Benign. Review status: criteria provided, single submitter. Criteria: ACMG Guidelines, 2015. Collection method: not provided. Allele origin: germline. Inheritance: Autosomal dominant inheritance. Affected: yes.

NM_001365951.3(KIF1B):c.*1986C>G

Gene: KIF1B (kinesin family member 1B; plus strand). Cytogenetic location: 1p36.22.
Variant type: single nucleotide variant.
Coding change: c.*1986C>G on transcript NM_001365951.3 (MANE Select); 1986 bases downstream of the stop codon, C replaced by G.
Molecular consequence: 3 prime UTR variant.
Genome position (GRCh38, 1-based): chr1:10,378,573, C>G. VCF-style: chr1-10378573-C-G. GRCh37 (hg19) VCF-style: chr1-10438631-C-G.
Other names: c.*1986C>G (NM_001365952.1, NM_015074.3).
Identifiers: ClinVar variation 291612 (VCV000291612.6), dbSNP rs557129908, ClinGen allele CA10607239.
Genomic context (GRCh38, chr1:10,378,573, plus strand): 5'-TGTTTCACCATTGCTCAGGCATTCAGGAAAGTATCTGCTCACTCCCACTTGGTGAGTCCT[C>G]GGCCTTGAGGTTGCTGACTCTCAGGCGTTAGGCAGCTGGATGACTTCCCGCTTCACGCAG-3'